The following is an entry in ClinVar:

NM_014727.3(KMT2B):c.4025C>T (p.Thr1342Ile)

Gene: KMT2B (lysine methyltransferase 2B; plus strand). Cytogenetic location: 19q13.12.
Variant type: single nucleotide variant.
Coding change: c.4025C>T on transcript NM_014727.3 (MANE Select); coding-DNA position 4025, C replaced by T.
Protein change: p.Thr1342Ile; replaces threonine 1342 with isoleucine.
Molecular consequence: missense variant.
Genome position (GRCh38, 1-based): chr19:35,727,177, C>T. VCF-style: chr19-35727177-C-T. GRCh37 (hg19) VCF-style: chr19-36218078-C-T.
Other names: c.4025C>T (NM_014727.2); short protein forms T1342I.
Identifiers: ClinVar variation 1965478 (VCV001965478.6), dbSNP rs748919077, ClinGen allele CA9384970.

ClinVar aggregate classification (germline): Conflicting classifications of pathogenicity. Review status: criteria provided, conflicting classifications (1 of 4 stars). 2 submissions from 2 submitters: Uncertain significance (1); Likely benign (1). Last evaluated 2022-12-17.

gnomAD v4.1: 1 of 1,612,860 alleles (0.000062%); highest among the groups gnomAD compares: Admixed American, 0.0017%; no homozygotes.

Submissions (2):

GeneDx
Classification: Uncertain significance. Last evaluated: 2022-12-17. Review status: criteria provided, single submitter. Criteria: GeneDx Variant Classification Process June 2021. Collection method: clinical testing. Allele origin: germline. Affected: yes.
Comment: Not observed at significant frequency in large population cohorts (gnomAD); In silico analysis supports that this missense variant does not alter protein structure/function; Has not been previously published as pathogenic or benign to our knowledge

Labcorp Genetics (formerly Invitae), Labcorp
Classification: Likely benign. Last evaluated: 2022-10-12. Review status: criteria provided, single submitter. Criteria: Invitae Variant Classification Sherloc (09022015). Collection method: clinical testing. Allele origin: germline.